The following is an entry in ClinVar:

NM_005228.5(EGFR):c.1505C>A (p.Thr502Lys)

Gene: EGFR (epidermal growth factor receptor; plus strand). Cytogenetic location: 7p11.2.
Variant type: single nucleotide variant.
Coding change: c.1505C>A on transcript NM_005228.5 (MANE Select); coding-DNA position 1505, C replaced by A.
Protein change: p.Thr502Lys; replaces threonine 502 with lysine.
Molecular consequence: missense variant.
Genome position (GRCh38, 1-based): chr7:55,161,505, C>A. VCF-style: chr7-55161505-C-A. GRCh37 (hg19) VCF-style: chr7-55229198-C-A.
Other names: c.1370C>A, p.Thr457Lys (NM_001346897.2, NM_001346899.2); c.1505C>A, p.Thr502Lys (NM_001346898.2, NM_201282.2, NM_201284.2); c.1346C>A, p.Thr449Lys (NM_001346900.2); c.704C>A, p.Thr235Lys (NM_001346941.2); short protein forms T235K, T457K, T449K, T502K.
Identifiers: ClinVar variation 1415940 (VCV001415940.6), dbSNP rs2128942686, ClinGen allele CA367579774.

ClinVar aggregate classification (germline): Uncertain significance (1 of 4 stars; one submission).

Conditions:
EGFR-related lung cancer (EGFR). Identifiers: MedGen CN130014.

Submission:

Labcorp Genetics (formerly Invitae), Labcorp
Classification: Uncertain significance for EGFR-related lung cancer. Last evaluated: 2024-04-25. Review status: criteria provided, single submitter. Criteria: Invitae Variant Classification Sherloc (09022015). Collection method: clinical testing. Allele origin: germline.
Comment: This sequence change replaces threonine, which is neutral and polar, with lysine, which is basic and polar, at codon 502 of the EGFR protein (p.Thr502Lys). This variant is not present in population databases (gnomAD no frequency). This variant has not been reported in the literature in individuals affected with EGFR-related conditions. ClinVar contains an entry for this variant (Variation ID: 1415940). Advanced modeling of protein sequence and biophysical properties (such as structural, functional, and spatial information, amino acid conservation, physicochemical variation, residue mobility, and thermodynamic stability) performed at Invitae indicates that this missense variant is not expected to disrupt EGFR protein function with a negative predictive value of 80%. In summary, the available evidence is currently insufficient to determine the role of this variant in disease. Therefore, it has been classified as a Variant of Uncertain Significance.